The following is an entry in ClinVar:

ClinVar aggregate classification (germline): Uncertain significance (1 of 4 stars; one submission).

Conditions:
ALG9 congenital disorder of glycosylation (CDG1L). Also called: CONGENITAL DISORDER OF GLYCOSYLATION, TYPE Il; ALG9-CDG; CDG Il. Identifiers: Orphanet 79328, MedGen C2931006, MONDO:0012117, OMIM 608776.

Allele frequency attached by ClinVar (database versions not stated): gnomAD exomes 0.00001; ExAC 0.00002.

Submission:

Labcorp Genetics (formerly Invitae), Labcorp
Classification: Uncertain significance for ALG9 congenital disorder of glycosylation. Last evaluated: 2022-11-29. Review status: criteria provided, single submitter. Criteria: Invitae Variant Classification Sherloc (09022015). Collection method: clinical testing. Allele origin: germline.
Comment: This variant is present in population databases (rs773660973, gnomAD 0.006%). Advanced modeling of protein sequence and biophysical properties (such as structural, functional, and spatial information, amino acid conservation, physicochemical variation, residue mobility, and thermodynamic stability) performed at Invitae indicates that this missense variant is not expected to disrupt ATP6V0A2 protein function. ClinVar contains an entry for this variant (Variation ID: 1003296). This variant has not been reported in the literature in individuals affected with ATP6V0A2-related conditions. This sequence change replaces alanine, which is neutral and non-polar, with proline, which is neutral and non-polar, at codon 333 of the ATP6V0A2 protein (p.Ala333Pro). In summary, the available evidence is currently insufficient to determine the role of this variant in disease. Therefore, it has been classified as a Variant of Uncertain Significance.

NM_012463.4(ATP6V0A2):c.997G>C (p.Ala333Pro)

Gene: ATP6V0A2 (ATPase H+ transporting V0 subunit a2; plus strand). Cytogenetic location: 12q24.31.
Variant type: single nucleotide variant.
Coding change: c.997G>C on transcript NM_012463.4 (MANE Select); coding-DNA position 997, G replaced by C.
Protein change: p.Ala333Pro; replaces alanine 333 with proline.
Molecular consequence: missense variant.
Genome position (GRCh38, 1-based): chr12:123,737,230, G>C. VCF-style: chr12-123737230-G-C. GRCh37 (hg19) VCF-style: chr12-124221777-G-C.
Other names: short protein forms A333P.
Identifiers: ClinVar variation 1003296 (VCV001003296.8), dbSNP rs773660973, ClinGen allele CA6861786.